The following is an entry in ClinVar:

NM_018249.6(CDK5RAP2):c.4665G>T (p.Gln1555His)

Gene: CDK5RAP2 (CDK5 regulatory subunit associated protein 2; minus strand). Cytogenetic location: 9q33.2.
Variant type: single nucleotide variant.
Coding change: c.4665G>T on transcript NM_018249.6 (MANE Select); coding-DNA position 4665, G replaced by T.
Protein change: p.Gln1555His; replaces glutamine 1555 with histidine.
Molecular consequence: missense variant. On other transcripts: non-coding transcript variant (5).
Genome position (GRCh38, 1-based): chr9:120,408,408, C>A on the plus strand (G>T on the coding strand, the complement: CDK5RAP2 is on the minus strand). VCF-style: chr9-120408408-C-A. GRCh37 (hg19) VCF-style: chr9-123170686-C-A.
Other names: c.4665G>T, p.Gln1555His (NM_001011649.3); c.3975G>T, p.Gln1325His (NM_001272039.2); short protein forms Q1555H, Q1325H.
Identifiers: ClinVar variation 21652 (VCV000021652.25), dbSNP rs35909061, ClinGen allele CA342330.
Genomic context (GRCh38, chr9:120,408,408, plus strand): 5'-TCTCAGTCTCCTGTGCTCTTCATCCAGCTTCTCATACGCCTTCAGCTCCACTCGGAGAGA[C>A]TGCAATAGCTTGTCATTCTGTGAGAGCAGCTGCTGCCTCAACTTCACCTCCTCCTGCACC-3'
Protein context (NP_060719.4, residues 1545-1565): QLLSQNDKLL[Gln1555His]SLRVELKAYE

ClinVar aggregate classification (germline): Benign/Likely benign. Review status: criteria provided, multiple submitters, no conflicts (2 of 4 stars). 5 submissions from 5 submitters: Benign (3); Likely benign (1). 1 of the submissions does not count toward it. Last evaluated 2026-08-01.

Conditions:
Microcephaly 3, primary, autosomal recessive. Identifiers: Orphanet 2512, MedGen C1858108, MONDO:0011488, OMIM 604804.

Allele frequency attached by ClinVar (database versions not stated): gnomAD exomes 0.00110; gnomAD 0.00370 and 0.00402; TOPMed 0.00425; ESP Exome Variant Server 0.00492; 1000 Genomes Project 0.00459; 1000 Genomes Project 30x 0.00515; ExAC 0.00138.
gnomAD v4.1: 1,083 of 1,614,180 alleles (0.067%); highest among the groups gnomAD compares: African/African-American, 1.3%; 7 homozygotes.

Submissions (5):

CeGaT Center for Human Genetics Tuebingen
Classification: Likely benign. Last evaluated: 2026-08-01. Review status: criteria provided, single submitter. Criteria: CeGaT Center For Human Genetics Tuebingen Variant Classification Criteria Version 2. Collection method: clinical testing. Allele origin: germline. Affected: yes. Observed: 2 variant alleles.
Comment: CDK5RAP2: BP4, BS1

Labcorp Genetics (formerly Invitae), Labcorp
Classification: Benign. Last evaluated: 2026-01-18. Review status: criteria provided, single submitter. Criteria: Invitae Variant Classification Sherloc (09022015). Collection method: clinical testing. Allele origin: germline.

GeneDx
Classification: Benign. Last evaluated: 2020-06-09. Review status: criteria provided, single submitter. Criteria: GeneDx Variant Classification Process June 2021. Collection method: clinical testing. Allele origin: germline. Affected: yes.

Genetic Services Laboratory, University of Chicago
Classification: Benign. Last evaluated: 2016-05-03. Review status: criteria provided, single submitter. Criteria: ACMG Guidelines, 2015. Collection method: clinical testing. Allele origin: germline. Affected: no.

GeneReviews
No classification provided. Condition: Microcephaly 3, primary, autosomal recessive. Review status: no classification provided. Collection method: literature only. Allele origin: unknown. Not counted in ClinVar's aggregate classification.

Literature cited by the submitters: PubMed 20301772 (cited by GeneReviews); NCBI Bookshelf NBK9587 (cited by GeneReviews).